The following is an entry in ClinVar:

ClinVar aggregate classification (germline): Pathogenic. Review status: criteria provided, single submitter (1 of 4 stars). 2 submissions from 2 submitters: Pathogenic (1). 1 of the submissions does not count toward it. Last evaluated 2022-06-13.

Conditions:
Neuronopathy, distal hereditary motor, autosomal dominant. Also called: Autosomal dominant distal hereditary motor neuropathy. Identifiers: Orphanet 140465, MedGen C5548212, MONDO:0015362.
Charcot-Marie-Tooth disease axonal type 2S. Also called: CHARCOT-MARIE-TOOTH NEUROPATHY, TYPE 2S; CHARCOT-MARIE-TOOTH DISEASE, AXONAL, AUTOSOMAL RECESSIVE, TYPE 2S. Identifiers: Orphanet 443073, MedGen C4015349, MONDO:0014511, OMIM 616155.
Autosomal recessive distal spinal muscular atrophy 1. Also called: NEURONOPATHY, SEVERE INFANTILE AXONAL, WITH RESPIRATORY FAILURE; SEVERE INFANTILE AXONAL NEUROPATHY WITH RESPIRATORY FAILURE; SPINAL MUSCULAR ATROPHY, DIAPHRAGMATIC; Spinal muscular atrophy with respiratory distress 1; HMN VI; NEURONOPATHY, DISTAL HEREDITARY MOTOR, HARDING TYPE VI. Identifiers: Orphanet 98920, MedGen C1858517, MONDO:0011436, OMIM 604320.

Allele frequency attached by ClinVar (database versions not stated): gnomAD exomes 0.00001; TOPMed 0.00001; ExAC 0.00002.

Submissions (2):

Labcorp Genetics (formerly Invitae), Labcorp
Classification: Pathogenic for Autosomal recessive distal spinal muscular atrophy 1; Charcot-Marie-Tooth disease axonal type 2S. Last evaluated: 2022-06-13. Review status: criteria provided, single submitter. Criteria: Invitae Variant Classification Sherloc (09022015). Collection method: clinical testing. Allele origin: germline.
Comment: This sequence change affects a donor splice site in intron 5 of the IGHMBP2 gene. It is expected to disrupt RNA splicing. Variants that disrupt the donor or acceptor splice site typically lead to a loss of protein function (PMID: 16199547), and loss-of-function variants in IGHMBP2 are known to be pathogenic (PMID: 14681881, 25439726, 25568292). For these reasons, this variant has been classified as Pathogenic. Algorithms developed to predict the effect of sequence changes on RNA splicing suggest that this variant may disrupt the consensus splice site. ClinVar contains an entry for this variant (Variation ID: 637269). Disruption of this splice site has been observed in individuals with IGHMBP2-related conditions (PMID: 24022109, 31211173). This variant is present in population databases (rs774079947, gnomAD 0.01%).

Inherited Neuropathy Consortium
Classification: Uncertain significance for Autosomal dominant distal hereditary motor neuropathy. Review status: no assertion criteria provided. Collection method: literature only. Allele origin: germline. Affected: yes. Not counted in ClinVar's aggregate classification.

Literature cited by the submitters: PubMed 16199547 (cited by Labcorp Genetics (formerly Invitae), Labcorp); PubMed 14681881 (cited by Labcorp Genetics (formerly Invitae), Labcorp); PubMed 25439726 (cited by Labcorp Genetics (formerly Invitae), Labcorp); PubMed 25568292 (cited by Labcorp Genetics (formerly Invitae), Labcorp); PubMed 24022109 (cited by Labcorp Genetics (formerly Invitae), Labcorp and Inherited Neuropathy Consortium); PubMed 31211173 (cited by Labcorp Genetics (formerly Invitae), Labcorp).

NM_002180.3(IGHMBP2):c.711+1G>C

Gene: IGHMBP2 (immunoglobulin mu DNA binding protein 2; plus strand). Cytogenetic location: 11q13.3.
Variant type: single nucleotide variant.
Coding change: c.711+1G>C on transcript NM_002180.3 (MANE Select); the canonical splice donor site of the intron after coding-DNA position 711, G replaced by C.
Molecular consequence: splice donor variant.
Genome position (GRCh38, 1-based): chr11:68,911,604, G>C. VCF-style: chr11-68911604-G-C. GRCh37 (hg19) VCF-style: chr11-68679072-G-C.
Identifiers: ClinVar variation 637269 (VCV000637269.10), dbSNP rs774079947, ClinGen allele CA6153360.